The following is an entry in ClinVar:

NM_001273.5(CHD4):c.3736G>A (p.Val1246Ile)

Gene: CHD4 (chromodomain helicase DNA binding protein 4; minus strand). Cytogenetic location: 12p13.31.
Variant type: single nucleotide variant.
Coding change: c.3736G>A on transcript NM_001273.5 (MANE Select); coding-DNA position 3736, G replaced by A.
Protein change: p.Val1246Ile; replaces valine 1246 with isoleucine.
Molecular consequence: missense variant.
Genome position (GRCh38, 1-based): chr12:6,587,527, C>T on the plus strand (G>A on the coding strand, the complement: CHD4 is on the minus strand). VCF-style: chr12-6587527-C-T. GRCh37 (hg19) VCF-style: chr12-6696693-C-T.
Other names: c.3715G>A, p.Val1239Ile (NM_001297553.2); c.3697G>A, p.Val1233Ile (NM_001363606.2); short protein forms V1239I, V1233I, V1246I.
Identifiers: ClinVar variation 2606058 (VCV002606058.2), dbSNP rs2540389862, ClinGen allele CA383581123.
Genomic context (GRCh38, chr12:6,587,527, plus strand): 5'-CAGTCTCATCCTGGTTACGGTCTAGCAGCCGTTCAATGGCCTTATCATCGTAGTGGATAA[C>T]ACTGCTATCTTCTCCCTCTTTGTTGTCTCCTCCTATAAAAAATCAAGGGCCCACATCCCC-3'
Protein context (NP_001264.2, residues 1236-1256): GDNKEGEDSS[Val1246Ile]IHYDDKAIER

ClinVar aggregate classification (germline): Uncertain significance (1 of 4 stars; one submission).

Conditions:
Inborn genetic diseases. Identifiers: MedGen C0950123, MeSH D030342.

Submission:

Ambry Genetics
Classification: Uncertain significance for Inborn genetic diseases. Last evaluated: 2023-07-24. Review status: criteria provided, single submitter. Criteria: Ambry Variant Classification Scheme 2023. Collection method: clinical testing. Allele origin: germline.
Comment: The c.3736G>A (p.V1246I) alteration is located in exon 25 (coding exon 24) of the CHD4 gene. This alteration results from a G to A substitution at nucleotide position 3736, causing the valine (V) at amino acid position 1246 to be replaced by an isoleucine (I). This variant was not reported in population-based cohorts in the Genome Aggregation Database (gnomAD). This amino acid position is highly conserved in available vertebrate species. This missense alteration is located in a region that has a low rate of benign missense variation (Lek, 2016; Firth, 2009). This alteration is predicted to be tolerated by in silico analysis. Based on insufficient or conflicting evidence, the clinical significance of this alteration remains unclear.